The following is an entry in ClinVar:

ClinVar aggregate classification (germline): Likely benign. Review status: criteria provided, multiple submitters, no conflicts (2 of 4 stars). 2 submissions from 2 submitters: Likely benign (2). Last evaluated 2025-08-15.

Conditions:
Ataxia-telangiectasia syndrome (AT). Also called: LOUIS-BAR SYNDROME; Ataxia telangiectasia (A-T); Cerebello-oculocutaneous telangiectasia; Immunodeficiency with ataxia telangiectasia; ATAXIA-TELANGIECTASIA, COMPLEMENTATION GROUP A; ATAXIA-TELANGIECTASIA, FRESNO VARIANT. Identifiers: Orphanet 100, MedGen C0004135, MONDO:0008840, OMIM 208900.
Familial cancer of breast. Also called: Hereditary breast cancer; hereditary breast carcinoma; BREAST CANCER, FAMILIAL. Identifiers: Orphanet 227535, MedGen C0346153, MONDO:0016419, OMIM 114480. Disease mechanism: loss of function.

Submissions (2):

Labcorp Genetics (formerly Invitae), Labcorp
Classification: Likely benign for Ataxia-telangiectasia syndrome. Last evaluated: 2025-08-15. Review status: criteria provided, single submitter. Criteria: Invitae Variant Classification Sherloc (09022015). Collection method: clinical testing. Allele origin: germline.

Myriad Genetics, Inc.
Classification: Likely benign for Familial cancer of breast. Last evaluated: 2024-05-22. Review status: criteria provided, single submitter. Criteria: Myriad Autosomal Dominant, Autosomal Recessive and X-Linked Classification Criteria (2023). Collection method: clinical testing. Allele origin: unknown.
Comment: This variant is considered likely benign. This variant is intronic and is not expected to impact mRNA splicing.

NM_000051.4(ATM):c.5178-15A>C

Gene: ATM (ATM serine/threonine kinase; plus strand). Cytogenetic location: 11q22.3.
Variant type: single nucleotide variant.
Coding change: c.5178-15A>C on transcript NM_000051.4 (MANE Select); 15 bases into the intron before coding-DNA position 5178, A replaced by C.
Molecular consequence: intron variant.
Genome position (GRCh38, 1-based): chr11:108,301,633, A>C. VCF-style: chr11-108301633-A-C. GRCh37 (hg19) VCF-style: chr11-108172360-A-C.
Other names: c.5178-15A>C (NM_001351834.2).
Identifiers: ClinVar variation 2139333 (VCV002139333.5), dbSNP rs2135911219, ClinGen allele CA2580083030.